The following is an entry in ClinVar:

ClinVar aggregate classification (germline): Benign/Likely benign. Review status: criteria provided, multiple submitters, no conflicts (2 of 4 stars). 3 submissions from 3 submitters: Benign (1); Likely benign (1). 1 of the submissions does not count toward it. Last evaluated 2026-01-28.

Conditions:
PACS2-related disorder. Also called: PACS2-related condition.

Allele frequency attached by ClinVar (database versions not stated): gnomAD exomes 0.00011 and 0.00022; ExAC 0.00042; 1000 Genomes Project 0.00080; ESP Exome Variant Server 0.00085; gnomAD 0.00090 and 0.00105; TOPMed 0.00106; 1000 Genomes Project 30x 0.00109.
gnomAD v4.1: 305 of 1,608,112 alleles (0.019%); highest among the groups gnomAD compares: African/African-American, 0.31%; no homozygotes.

Submissions (3):

Labcorp Genetics (formerly Invitae), Labcorp
Classification: Benign. Last evaluated: 2026-01-28. Review status: criteria provided, single submitter. Criteria: Invitae Variant Classification Sherloc (09022015). Collection method: clinical testing. Allele origin: germline.

Blueprint Genetics
Classification: Likely benign. Last evaluated: 2023-09-12. Review status: criteria provided, single submitter. Criteria: ACMG Guidelines, 2015. Collection method: clinical testing. Allele origin: germline.

PreventionGenetics, part of Exact Sciences
Classification: Likely benign for PACS2-related condition. Last evaluated: 2024-04-03. Review status: no assertion criteria provided. Collection method: clinical testing. Allele origin: germline. Not counted in ClinVar's aggregate classification.
Comment: This variant is classified as likely benign based on ACMG/AMP sequence variant interpretation guidelines (Richards et al. 2015 PMID: 25741868, with internal and published modifications).

NM_001100913.3(PACS2):c.2269G>A (p.Ala757Thr)

Gene: PACS2 (phosphofurin acidic cluster sorting protein 2; plus strand). Cytogenetic location: 14q32.33.
Variant type: single nucleotide variant.
Coding change: c.2269G>A on transcript NM_001100913.3 (MANE Select); coding-DNA position 2269, G replaced by A.
Protein change: p.Ala757Thr; replaces alanine 757 with threonine.
Molecular consequence: missense variant.
Genome position (GRCh38, 1-based): chr14:105,392,632, G>A. VCF-style: chr14-105392632-G-A. GRCh37 (hg19) VCF-style: chr14-105858969-G-A.
Other names: c.2269G>A (NM_001100913.2); c.1999G>A, p.Ala667Thr (NM_001243127.3); c.2224G>A, p.Ala742Thr (NM_015197.4); short protein forms A667T, A742T, A757T.
Identifiers: ClinVar variation 1169840 (VCV001169840.12), dbSNP rs151199705, ClinGen allele CA7389237.